The following is an entry in ClinVar:

NM_000465.4(BARD1):c.223G>C (p.Val75Leu)

Gene: BARD1 (BRCA1 associated RING domain 1; minus strand). Cytogenetic location: 2q35.
Variant type: single nucleotide variant.
Coding change: c.223G>C on transcript NM_000465.4 (MANE Select); coding-DNA position 223, G replaced by C.
Protein change: p.Val75Leu; replaces valine 75 with leucine.
Molecular consequence: missense variant. On other transcripts: non-coding transcript variant (1), intron variant (2).
Genome position (GRCh38, 1-based): chr2:214,792,438, C>G on the plus strand (G>C on the coding strand, the complement: BARD1 is on the minus strand). VCF-style: chr2-214792438-C-G. GRCh37 (hg19) VCF-style: chr2-215657162-C-G.
Other names: c.166G>C, p.Val56Leu (NM_001282543.2); c.223G>C, p.Val75Leu (NM_001282549.2); c.158+16974G>C (NM_001282548.2); c.215+4623G>C (NM_001282545.2); c.223G>C (NM_000465.2); short protein forms V75L, V56L.
Identifiers: ClinVar variation 577779 (VCV000577779.10), dbSNP rs1559437285, ClinGen allele CA350461327.
Genomic context (GRCh38, chr2:214,792,438, plus strand): 5'-AGTCTTGTATCCAGGCCGGGGTGTAACACACTGGACATCCAGTTCCAATGCAGTCACTTA[C>G]ACAATTACTTTAAAATAATTAAAAAAAAAAAAAAAAGCAACCCATTCAGCAGAATTTAAT-3'
Protein context (NP_000456.2, residues 65-85): GCEHIFCSNC[Val75Leu]SDCIGTGCPV

ClinVar aggregate classification (germline): Uncertain significance. Review status: criteria provided, multiple submitters, no conflicts (2 of 4 stars). 2 submissions from 2 submitters: Uncertain significance (2). Last evaluated 2024-10-05.

Conditions:
Hereditary cancer-predisposing syndrome. Also called: Tumor predisposition; Hereditary neoplastic syndrome; Hereditary Cancer Syndrome; Neoplastic Syndromes, Hereditary. Identifiers: Orphanet 140162, MedGen C0027672, MeSH D009386, MONDO:0015356.
Familial cancer of breast. Also called: hereditary breast carcinoma; BREAST CANCER, FAMILIAL; Hereditary breast cancer. Identifiers: Orphanet 227535, MedGen C0346153, MONDO:0016419, OMIM 114480. Disease mechanism: loss of function.

Submissions (2):

Ambry Genetics
Classification: Uncertain significance for Hereditary cancer-predisposing syndrome. Last evaluated: 2024-10-05. Review status: criteria provided, single submitter. Criteria: Ambry Variant Classification Scheme 2023. Collection method: clinical testing. Allele origin: germline.
Comment: The p.V75L variant (also known as c.223G>C), located in coding exon 3 of the BARD1 gene, results from a G to C substitution at nucleotide position 223. The valine at codon 75 is replaced by leucine, an amino acid with highly similar properties. This amino acid position is well conserved in available vertebrate species. In addition, this alteration is predicted to be tolerated by in silico analysis. Based on the available evidence, the clinical significance of this variant remains unclear.

Labcorp Genetics (formerly Invitae), Labcorp
Classification: Uncertain significance for Familial cancer of breast. Last evaluated: 2018-05-26. Review status: criteria provided, single submitter. Criteria: Invitae Variant Classification Sherloc (09022015). Collection method: clinical testing. Allele origin: germline.
Comment: This sequence change replaces valine with leucine at codon 75 of the BARD1 protein (p.Val75Leu). The valine residue is moderately conserved and there is a small physicochemical difference between valine and leucine. This variant is not present in population databases (ExAC no frequency). This variant has not been reported in the literature in individuals with BARD1-related disease. Algorithms developed to predict the effect of missense changes on protein structure and function (SIFT, PolyPhen-2, Align-GVGD) all suggest that this variant is likely to be tolerated, but these predictions have not been confirmed by published functional studies and their clinical significance is uncertain. In summary, the available evidence is currently insufficient to determine the role of this variant in disease. Therefore, it has been classified as a Variant of Uncertain Significance.